The following is an entry in ClinVar:

ClinVar aggregate classification (germline): Uncertain significance (1 of 4 stars; one submission).

Conditions:
Imerslund-Grasbeck syndrome. Also called: Megaloblastic anemia due to inborn errors of metabolism; Imerslund-Gräsbeck syndrome; ENTEROCYTE COBALAMIN MALABSORPTION; ENTEROCYTE INTRINSIC FACTOR RECEPTOR, DEFECT OF; PERNICIOUS ANEMIA, JUVENILE, DUE TO SELECTIVE INTESTINAL MALABSORPTION OF VITAMIN B12, WITH PROTEINURIA. Identifiers: Orphanet 35858, MedGen C4551825, MONDO:0009853.

Submission:

Labcorp Genetics (formerly Invitae), Labcorp
Classification: Uncertain significance for Imerslund-Grasbeck syndrome. Last evaluated: 2025-12-18. Review status: criteria provided, single submitter. Criteria: Invitae Variant Classification Sherloc (09022015). Collection method: clinical testing. Allele origin: germline.
Comment: This sequence change replaces arginine, which is basic and polar, with lysine, which is basic and polar, at codon 1617 of the CUBN protein (p.Arg1617Lys). This variant is not present in population databases (gnomAD no frequency). This variant has not been reported in the literature in individuals affected with CUBN-related conditions. Invitae Evidence Modeling of protein sequence and biophysical properties (such as structural, functional, and spatial information, amino acid conservation, physicochemical variation, residue mobility, and thermodynamic stability) indicates that this missense variant is not expected to disrupt CUBN protein function with a negative predictive value of 80%. In summary, the available evidence is currently insufficient to determine the role of this variant in disease. Therefore, it has been classified as a Variant of Uncertain Significance.

NM_001081.4(CUBN):c.4850G>A (p.Arg1617Lys)

Gene: CUBN (cubilin; minus strand). Cytogenetic location: 10p13.
Variant type: single nucleotide variant.
Coding change: c.4850G>A on transcript NM_001081.4 (MANE Select); coding-DNA position 4850, G replaced by A.
Protein change: p.Arg1617Lys; replaces arginine 1617 with lysine.
Molecular consequence: missense variant.
Genome position (GRCh38, 1-based): chr10:16,954,394, C>T on the plus strand (G>A on the coding strand, the complement: CUBN is on the minus strand). VCF-style: chr10-16954394-C-T. GRCh37 (hg19) VCF-style: chr10-16996393-C-T.
Other names: short protein forms R1617K.
Identifiers: ClinVar variation 4808701 (VCV004808701.1).